The following is an entry in ClinVar:

NM_000138.5(FBN1):c.6559G>A (p.Gly2187Ser)

Gene: FBN1 (fibrillin 1; minus strand). Cytogenetic location: 15q21.1.
Variant type: single nucleotide variant.
Coding change: c.6559G>A on transcript NM_000138.5 (MANE Select); coding-DNA position 6559, G replaced by A.
Protein change: p.Gly2187Ser; replaces glycine 2187 with serine.
Molecular consequence: missense variant.
Genome position (GRCh38, 1-based): chr15:48,434,651, C>T on the plus strand (G>A on the coding strand, the complement: FBN1 is on the minus strand). VCF-style: chr15-48434651-C-T. GRCh37 (hg19) VCF-style: chr15-48726848-C-T.
Other names: short protein forms G2187S.
Identifiers: ClinVar variation 928686 (VCV000928686.14), dbSNP rs760055383, ClinGen allele CA057000.

ClinVar aggregate classification (germline): Uncertain significance. Review status: criteria provided, multiple submitters, no conflicts (2 of 4 stars). 6 submissions from 6 submitters: Uncertain significance (6). Last evaluated 2025-06-02.

Conditions:
Familial thoracic aortic aneurysm and aortic dissection (TAAD). Also called: Thoracic aortic aneurysms and dissections. Identifiers: Orphanet 91387, MedGen C4707243, MONDO:0019625.
Marfan syndrome (MFS). Also called: Marfan syndrome, classic; Marfan syndrome type 1; Marfan's syndrome; FBN1-Related Marfan Syndrome; MARFAN SYNDROME, TYPE I. Identifiers: Orphanet 284963, Orphanet 558, MedGen C0024796, MONDO:0007947, OMIM 154700.
Weill-Marchesani syndrome 2, dominant. Also called: FBN1-Related Weill-Marchesani Syndrome; Weill-Marchesani Syndrome, Autosomal Dominant. Identifiers: Orphanet 2084, MedGen C1869115, MONDO:0012013, OMIM 608328.
Progeroid and marfanoid aspect-lipodystrophy syndrome. Also called: MARFANOID-PROGEROID SYNDROME; MARFAN-PROGEROID-LIPODYSTROPHY SYNDROME; Marfan lipodystrophy syndrome; MARFANOID-PROGEROID-LIPODYSTROPHY SYNDROME. Identifiers: Orphanet 300382, MedGen C4310796, MONDO:0014831, OMIM 616914.
Acromicric dysplasia (ACMICD). Also called: Acromicric skeletal dysplasia. Identifiers: Orphanet 969, MedGen C0265287, MONDO:0007055, OMIM 102370.
Ectopia lentis 1, isolated, autosomal dominant (ECTOL1). Identifiers: Orphanet 1885, MedGen C3541518, MONDO:0007514, OMIM 129600.
Geleophysic dysplasia 2 (GPHYSD2). Identifiers: Orphanet 2623, MedGen C3280054, MONDO:0013612, OMIM 614185.
MASS syndrome (OCTD). Also called: OVERLAP CONNECTIVE TISSUE DISEASE; MASS PHENOTYPE. Identifiers: MedGen C1858556, MONDO:0011431, OMIM 604308.
Stiff skin syndrome (SSKS). Identifiers: Orphanet 2833, MedGen C1861456, MONDO:0008492, OMIM 184900.

Allele frequency attached by ClinVar (database versions not stated): ExAC 0.00001; gnomAD exomes 0.00001 and below 0.00001; TOPMed 0.00001.
gnomAD v4.1: 2 of 1,613,842 alleles (0.00012%); highest among the groups gnomAD compares: East Asian, 0.0045%; no homozygotes.

Submissions (6):

Color Diagnostics, LLC DBA Color Health
Classification: Uncertain significance for Familial thoracic aortic aneurysm and aortic dissection. Last evaluated: 2025-06-02. Review status: criteria provided, single submitter. Criteria: ACMG Guidelines, 2015. Collection method: clinical testing. Allele origin: germline.
Comment: This missense variant replaces glycine with serine at codon 2187 of the FBN1 protein. Computational prediction suggests that this variant may not impact protein structure and function. To our knowledge, functional studies have not been reported for this variant. This variant has been reported in an individual affected with acute aortic dissection (PMID: 30056620). This variant has been identified in 3/251234 chromosomes in the general population by the Genome Aggregation Database (gnomAD). The available evidence is insufficient to determine the role of this variant in disease conclusively. Therefore, this variant is classified as a Variant of Uncertain Significance.

All of Us Research Program, National Institutes of Health
Classification: Uncertain significance for Marfan syndrome. Last evaluated: 2023-06-08. Review status: criteria provided, single submitter. Criteria: ACMG Guidelines, 2015. Collection method: clinical testing. Allele origin: germline. Inheritance: Autosomal dominant inheritance. Observed: 1 variant allele, 1 heterozygote.
Comment: This missense variant replaces glycine with serine at codon 2187 of the FBN1 protein. Computational prediction suggests that this variant may not impact protein structure and function (internally defined REVEL score threshold <= 0.5, PMID: 27666373). To our knowledge, functional studies have not been reported for this variant. This variant has been reported in an individual affected with acute aortic dissection (PMID: 30056620). This variant has been identified in 3/251234 chromosomes in the general population by the Genome Aggregation Database (gnomAD). The available evidence is insufficient to determine the role of this variant in disease conclusively. Therefore, this variant is classified as a Variant of Uncertain Significance.

This study involves interpretation of variants in research participants for the purpose of population health screening. Participant phenotype was not available at the time of variant classification. Additional details can be found in publication PMID: 35346344, PMCID: PMC8962531

Labcorp Genetics (formerly Invitae), Labcorp
Classification: Uncertain significance for Marfan syndrome; Familial thoracic aortic aneurysm and aortic dissection. Last evaluated: 2022-07-12. Review status: criteria provided, single submitter. Criteria: Invitae Variant Classification Sherloc (09022015). Collection method: clinical testing. Allele origin: germline.
Comment: This sequence change replaces glycine, which is neutral and non-polar, with serine, which is neutral and polar, at codon 2187 of the FBN1 protein (p.Gly2187Ser). This variant is present in population databases (rs760055383, gnomAD 0.02%). This missense change has been observed in individual(s) with FBN1-related conditions (PMID: 30056620). ClinVar contains an entry for this variant (Variation ID: 928686). Algorithms developed to predict the effect of missense changes on protein structure and function (SIFT, PolyPhen-2, Align-GVGD) all suggest that this variant is likely to be tolerated. This variant disrupts the p.Gly2187 amino acid residue in FBN1. Other variant(s) that disrupt this residue have been observed in individuals with FBN1-related conditions (PMID: 25944730), which suggests that this may be a clinically significant amino acid residue. In summary, the available evidence is currently insufficient to determine the role of this variant in disease. Therefore, it has been classified as a Variant of Uncertain Significance.

Fulgent Genetics
Classification: Uncertain significance for Acromicric dysplasia; Ectopia lentis 1, isolated, autosomal dominant; Marfan syndrome; Stiff skin syndrome; MASS syndrome; Weill-Marchesani syndrome 2, dominant; Geleophysic dysplasia 2; Progeroid and marfanoid aspect-lipodystrophy syndrome. Last evaluated: 2022-01-29. Review status: criteria provided, single submitter. Criteria: ACMG Guidelines, 2015. Collection method: clinical testing. Allele origin: unknown.

ARUP Laboratories, Molecular Genetics and Genomics, ARUP Laboratories
Classification: Uncertain significance. Last evaluated: 2020-01-17. Review status: criteria provided, single submitter. Criteria: ARUP Molecular Germline Variant Investigation Process. Collection method: clinical testing. Allele origin: germline.
Comment: The FBN1 c.6559G>A; p.Gly2187Ser variant (rs760055383) is reported in the literature in an individual affected with acute aortic dissection, but without a clear association with disease (Zheng 2018). This variant is only observed on three alleles in the Genome Aggregation Database, indicating it is not a common polymorphism. The glycine at codon 2187 is moderately conserved, and computational analyses (SIFT, PolyPhen-2) predict that this variant is tolerated. Due to limited information, the clinical significance of the p.Gly2187Ser variant is uncertain at this time. References: Zheng et al. Genetic diagnosis of acute aortic dissection in South China Han population using next-generation sequencing. Int J Legal Med. 2018 Sep;132(5):1273-1280.

Women's Health and Genetics/Laboratory Corporation of America, LabCorp
Classification: Uncertain significance. Last evaluated: 2019-05-28. Review status: criteria provided, single submitter. Criteria: LabCorp Variant Classification Summary - May 2015. Collection method: clinical testing. Allele origin: germline.
Comment: Variant summary: FBN1 c.6559G>A (p.Gly2187Ser) results in a non-conservative amino acid change located in the EGF-like domain(IPR000742) of the encoded protein sequence. Three of five in-silico tools predict a benign effect of the variant on protein function. The variant allele was found at a frequency of 1.2e-05 in 251234 control chromosomes. The available data on variant occurrences in the general population are insufficient to allow any conclusion about variant significance. c.6559G>A has been reported in the literature in an individual affected with acute aortic dissection who carries a likely pathogenic ACTA2 variant (Zheng_2018). This report does not provide unequivocal conclusions about association of the variant with Marfan Syndrome. To our knowledge, no experimental evidence demonstrating an impact on protein function has been reported. No clinical diagnostic laboratories have submitted clinical-significance assessments for this variant to ClinVar after 2014. Based on the evidence outlined above, the variant was classified as uncertain significance.

Literature cited by the submitters: PubMed 30056620 (cited by 4 submitters); PubMed 25944730 (cited by Labcorp Genetics (formerly Invitae), Labcorp).